The following is an entry in ClinVar:

ClinVar aggregate classification (germline): Uncertain significance (1 of 4 stars; one submission).

Submission:

Labcorp Genetics (formerly Invitae), Labcorp
Classification: Uncertain significance. Last evaluated: 2025-08-04. Review status: criteria provided, single submitter. Criteria: Invitae Variant Classification Sherloc (09022015). Collection method: clinical testing. Allele origin: germline.
Comment: This sequence change replaces leucine, which is neutral and non-polar, with isoleucine, which is neutral and non-polar, at codon 404 of the EPHA4 protein (p.Leu404Ile). This variant is not present in population databases (gnomAD no frequency). This variant has not been reported in the literature in individuals affected with EPHA4-related conditions. ClinVar contains an entry for this variant (Variation ID: 1514418). Invitae Evidence Modeling of protein sequence and biophysical properties (such as structural, functional, and spatial information, amino acid conservation, physicochemical variation, residue mobility, and thermodynamic stability) indicates that this missense variant is not expected to disrupt EPHA4 protein function with a negative predictive value of 80%. In summary, the available evidence is currently insufficient to determine the role of this variant in disease. Therefore, it has been classified as a Variant of Uncertain Significance.

NM_004438.5(EPHA4):c.1210C>A (p.Leu404Ile)

Gene: EPHA4 (EPH receptor A4; minus strand). Cytogenetic location: 2q36.1.
Variant type: single nucleotide variant.
Coding change: c.1210C>A on transcript NM_004438.5 (MANE Select); coding-DNA position 1210, C replaced by A.
Protein change: p.Leu404Ile; replaces leucine 404 with isoleucine.
Molecular consequence: missense variant.
Genome position (GRCh38, 1-based): chr2:221,482,460, G>T on the plus strand (C>A on the coding strand, the complement: EPHA4 is on the minus strand). VCF-style: chr2-221482460-G-T. GRCh37 (hg19) VCF-style: chr2-222347180-G-T.
Other names: c.1210C>A, p.Leu404Ile (NM_001304536.2, NM_001363748.2); c.1057C>A, p.Leu353Ile (NM_001304537.2); short protein forms L353I, L404I.
Identifiers: ClinVar variation 1514418 (VCV001514418.8), dbSNP rs2106141367, ClinGen allele CA350408236.